The following is an entry in ClinVar:

ClinVar aggregate classification (germline): Likely benign. Review status: criteria provided, multiple submitters, no conflicts (2 of 4 stars). 3 submissions from 3 submitters: Likely benign (2). 1 of the submissions does not count toward it. Last evaluated 2026-01-06.

Conditions:
RIPK1-related disorder. Also called: RIPK1-related condition.

Allele frequency attached by ClinVar (database versions not stated): ExAC 0.00011; gnomAD exomes 0.00014 and 0.00049; ESP Exome Variant Server 0.00015; TOPMed 0.00017; gnomAD 0.00023 and 0.00025.
gnomAD v4.1: 745 of 1,613,860 alleles (0.046%); highest among the groups gnomAD compares: Non-Finnish European, 0.059%; 1 homozygote.

Submissions (3):

Labcorp Genetics (formerly Invitae), Labcorp
Classification: Likely benign. Last evaluated: 2026-01-06. Review status: criteria provided, single submitter. Criteria: Invitae Variant Classification Sherloc (09022015). Collection method: clinical testing. Allele origin: germline.

Blueprint Genetics
Classification: Likely benign. Last evaluated: 2024-11-07. Review status: criteria provided, single submitter. Criteria: ACMG Guidelines, 2015. Collection method: clinical testing. Allele origin: germline.

PreventionGenetics, part of Exact Sciences
Classification: Likely benign for RIPK1-related condition. Last evaluated: 2019-07-10. Review status: no assertion criteria provided. Collection method: clinical testing. Allele origin: germline. Not counted in ClinVar's aggregate classification.
Comment: This variant is classified as likely benign based on ACMG/AMP sequence variant interpretation guidelines (Richards et al. 2015 PMID: 25741868, with internal and published modifications).

NM_001354930.2(RIPK1):c.582G>A (p.Ala194=)

Gene: RIPK1 (receptor interacting serine/threonine kinase 1; plus strand). Cytogenetic location: 6p25.2.
Variant type: single nucleotide variant.
Coding change: c.582G>A on transcript NM_001354930.2 (MANE Select); coding-DNA position 582, G replaced by A.
Protein change: p.Ala194=; no amino-acid change (alanine 194 retained).
Molecular consequence: synonymous variant.
Genome position (GRCh38, 1-based): chr6:3,083,207, G>A. VCF-style: chr6-3083207-G-A. GRCh37 (hg19) VCF-style: chr6-3083441-G-A.
Other names: c.93G>A, p.Ala31= (NM_001317061.3, NM_001354932.2, NM_001354933.2 and 1 more transcripts); c.444G>A, p.Ala148= (NM_001354931.2); c.582G>A, p.Ala194= (NM_003804.6); c.582G>A (NM_003804.4).
Identifiers: ClinVar variation 1625934 (VCV001625934.11), dbSNP rs372626426, ClinGen allele CA3618229.